The following is an entry in ClinVar:

ClinVar aggregate classification (germline): Likely benign. Review status: criteria provided, single submitter (1 of 4 stars). 2 submissions from 2 submitters: Likely benign (1). 1 of the submissions does not count toward it. Last evaluated 2025-07-06.

Conditions:
COL11A1-related disorder. Also called: COL11A1-related condition; COL11A1-related disorders.

Allele frequency attached by ClinVar (database versions not stated): gnomAD exomes below 0.00001; TOPMed 0.00001.
gnomAD v4.1: 5 of 1,586,330 alleles (0.00032%); highest among the groups gnomAD compares: Non-Finnish European, 0.00043%; no homozygotes.

Submissions (2):

Labcorp Genetics (formerly Invitae), Labcorp
Classification: Likely benign. Last evaluated: 2025-07-06. Review status: criteria provided, single submitter. Criteria: Invitae Variant Classification Sherloc (09022015). Collection method: clinical testing. Allele origin: germline.

PreventionGenetics, part of Exact Sciences
Classification: Likely benign for COL11A1-related condition. Last evaluated: 2024-03-18. Review status: no assertion criteria provided. Collection method: clinical testing. Allele origin: germline. Not counted in ClinVar's aggregate classification.
Comment: This variant is classified as likely benign based on ACMG/AMP sequence variant interpretation guidelines (Richards et al. 2015 PMID: 25741868, with internal and published modifications).

NM_001854.4(COL11A1):c.4303-10T>C

Gene: COL11A1 (collagen type XI alpha 1 chain; minus strand). Cytogenetic location: 1p21.1.
Variant type: single nucleotide variant.
Coding change: c.4303-10T>C on transcript NM_001854.4 (MANE Select); 10 bases into the intron before coding-DNA position 4303, T replaced by C.
Molecular consequence: intron variant.
Genome position (GRCh38, 1-based): chr1:102,890,514, A>G on the plus strand (T>C on the coding strand, the complement: COL11A1 is on the minus strand). VCF-style: chr1-102890514-A-G. GRCh37 (hg19) VCF-style: chr1-103356070-A-G.
Other names: c.4186-10T>C (NM_001190709.2); c.4339-10T>C (NM_080629.3); c.3955-10T>C (NM_080630.4); c.4303-10T>C (NM_001854.3).
Identifiers: ClinVar variation 1539508 (VCV001539508.9), dbSNP rs912413662, ClinGen allele CA28151897.